The following is an entry in ClinVar:

NM_000492.4:c.(53+1_54-1)_(164+1_165-1)del

Gene: CFTR (CF transmembrane conductance regulator; plus strand).
Variant type: Deletion.
Other names: CFTRdele2; c.(53+1_54-1)_(164+1_165-1)del (NM_000492.4).
Identifiers: ClinVar variation 1705984 (VCV001705984.1).

ClinVar aggregate classification (germline): Pathogenic (1 of 4 stars; one submission).

Conditions:
Cystic fibrosis (CF). Also called: MUCOVISCIDOSIS. Identifiers: Orphanet 586, MedGen C0010674, MONDO:0009061, OMIM 219700. Disease mechanism: loss of function.

Submission:

Institute of Human Genetics, University of Leipzig Medical Center
Classification: Pathogenic for Cystic fibrosis. Last evaluated: 2022-09-05. Review status: criteria provided, single submitter. Criteria: ACMG Guidelines, 2015. Collection method: curation. Allele origin: unknown. Affected: yes. Observed: 10 variant alleles.
Comment: This variant was identified in 10 unrelated patients with a clinically confirmed diagnosis of cystic fibrosis. The variant was classified in the context of a project re-classifying variants in the German Cystic Fibrosis Registry (Muko.e.V.). Criteria applied: PM3_VSTR, PM4, PM2_SUP